The following is an entry in ClinVar:

ClinVar aggregate classification (germline): Pathogenic (1 of 4 stars; one submission).

Conditions:
Neurofibromatosis, type 1 (NF1). Also called: VON RECKLINGHAUSEN DISEASE; Peripheral type neurofibromatosis; NEUROFIBROMATOSIS, TYPE I, SOMATIC; Neurofibromatosis, type I. Identifiers: Orphanet 636, MedGen C0027831, MONDO:0018975, OMIM 162200. Disease mechanism: loss of function.

Submission:

Labcorp Genetics (formerly Invitae), Labcorp
Classification: Pathogenic for Neurofibromatosis, type 1. Last evaluated: 2025-12-21. Review status: criteria provided, single submitter. Criteria: Invitae Variant Classification Sherloc (09022015). Collection method: clinical testing. Allele origin: germline.
Comment: This sequence change creates a premature translational stop signal (p.Asp378Glyfs*18) in the NF1 gene. It is expected to result in an absent or disrupted protein product. Loss-of-function variants in NF1 are known to be pathogenic (PMID: 10712197, 23913538). This variant is not present in population databases (gnomAD no frequency). This variant has not been reported in the literature in individuals affected with NF1-related conditions. For these reasons, this variant has been classified as Pathogenic.

Literature cited by the submitters: PubMed 10712197; PubMed 23913538.

NM_001042492.3(NF1):c.1132dup (p.Asp378fs)

Gene: NF1 (neurofibromin 1; plus strand). Cytogenetic location: 17q11.2.
Variant type: Duplication.
Coding change: c.1132dup on transcript NM_001042492.3 (MANE Select); coding-DNA position 1132, one base duplicated (G; older notation c.1132dupG).
Protein change: p.Asp378fs; shifts the reading frame from aspartic acid 378.
Molecular consequence: frameshift variant.
Genome position (GRCh38, 1-based): chr17:31,201,106, G duplicated. VCF-style (leftmost placement, unchanged base first): chr17-31201105-T-TG. GRCh37 (hg19) VCF-style: chr17-29528123-T-TG.
Other names: c.1132dup, p.Asp378fs (NM_000267.4, NM_001128147.3); short protein forms D378fs.
Identifiers: ClinVar variation 4733778 (VCV004733778.1).